The following is an entry in ClinVar:

NM_000701.8(ATP1A1):c.2542C>T (p.Arg848Trp)

Genes: ATP1A1 (ATPase Na+/K+ transporting subunit alpha 1; plus strand), ATP1A1-AS1 (ATP1A1 antisense RNA 1; minus strand). Cytogenetic location: 1p13.1.
Variant type: single nucleotide variant.
Coding change: c.2542C>T on transcript NM_000701.8 (MANE Select); coding-DNA position 2542, C replaced by T.
Protein change: p.Arg848Trp; replaces arginine 848 with tryptophan.
Molecular consequence: missense variant.
Genome position (GRCh38, 1-based): chr1:116,399,513, C>T. VCF-style: chr1-116399513-C-T. GRCh37 (hg19) VCF-style: chr1-116942135-C-T.
Other names: c.2542C>T, p.Arg848Trp (NM_001160233.2); c.2449C>T, p.Arg817Trp (NM_001160234.2); short protein forms R848W, R817W.
Identifiers: ClinVar variation 931627 (VCV000931627.5), dbSNP rs1436880886, ClinGen allele CA341774326.
Genomic context (GRCh38, chr1:116,399,513, plus strand): 5'-GAGAGTGACATCATGAAGAGACAGCCCAGAAATCCCAAAACAGACAAACTTGTGAATGAG[C>T]GGCTGATCAGCATGGCCTATGGGCAGATTGGTAAGCTGCAGCCTGGAGTGGGAAGCTGGC-3'
Protein context (NP_000692.2, residues 838-858): NPKTDKLVNE[Arg848Trp]LISMAYGQIG

ClinVar aggregate classification (germline): Uncertain significance. Review status: criteria provided, multiple submitters, no conflicts (2 of 4 stars). 2 submissions from 2 submitters: Uncertain significance (2). Last evaluated 2024-10-07.

Conditions:
Hypomagnesemia, seizures, and impaired intellectual development 2. Also called: Hypomagnesemia, seizures, and intellectual disability 2. Identifiers: MedGen C5193023, MONDO:0020788, OMIM 618314.

Allele frequency attached by ClinVar (database versions not stated): gnomAD exomes below 0.00001.
gnomAD v4.1: 4 of 1,614,050 alleles (0.00025%); highest among the groups gnomAD compares: Admixed American, 0.0017%; no homozygotes.

Submissions (2):

Labcorp Genetics (formerly Invitae), Labcorp
Classification: Uncertain significance. Last evaluated: 2024-10-07. Review status: criteria provided, single submitter. Criteria: Invitae Variant Classification Sherloc (09022015). Collection method: clinical testing. Allele origin: germline.
Comment: This sequence change replaces arginine, which is basic and polar, with tryptophan, which is neutral and slightly polar, at codon 848 of the ATP1A1 protein (p.Arg848Trp). This variant is present in population databases (no rsID available, gnomAD 0.003%). This variant has not been reported in the literature in individuals affected with ATP1A1-related conditions. ClinVar contains an entry for this variant (Variation ID: 931627). Invitae Evidence Modeling of protein sequence and biophysical properties (such as structural, functional, and spatial information, amino acid conservation, physicochemical variation, residue mobility, and thermodynamic stability) indicates that this missense variant is expected to disrupt ATP1A1 protein function with a positive predictive value of 80%. In summary, the available evidence is currently insufficient to determine the role of this variant in disease. Therefore, it has been classified as a Variant of Uncertain Significance.

Centre for Mendelian Genomics, University Medical Centre Ljubljana
Classification: Uncertain significance for Hypomagnesemia, seizures, and impaired intellectual development 2. Last evaluated: 2019-12-20. Review status: criteria provided, single submitter. Criteria: ACMG Guidelines, 2015. Collection method: clinical testing. Allele origin: unknown. Affected: yes.
Comment: This variant was classified as: Uncertain significance. The available evidence on this variant's pathogenicity is insufficient or conflicting. The following ACMG criteria were applied in classifying this variant: PP3.